The following is an entry in ClinVar:

ClinVar aggregate classification (germline): Uncertain significance. Review status: criteria provided, multiple submitters, no conflicts (2 of 4 stars). 2 submissions from 2 submitters: Uncertain significance (2). Last evaluated 2021-07-08.

Conditions:
Inborn genetic diseases. Identifiers: MedGen C0950123, MeSH D030342.
Al-Raqad syndrome. Identifiers: MedGen C4085595, MONDO:0014648, OMIM 616459.

Allele frequency attached by ClinVar (database versions not stated): gnomAD exomes 0.00002 and 0.00005; ExAC 0.00003; gnomAD 0.00003; TOPMed 0.00003; ESP Exome Variant Server 0.00008.
gnomAD v4.1: 34 of 1,613,868 alleles (0.0021%); highest among the groups gnomAD compares: Admixed American, 0.023%; no homozygotes.

Submissions (2):

Ambry Genetics
Classification: Uncertain significance for Inborn genetic diseases. Last evaluated: 2021-07-08. Review status: criteria provided, single submitter. Criteria: Ambry Variant Classification Scheme 2023. Collection method: clinical testing. Allele origin: germline.

Baylor Genetics
Classification: Uncertain significance for Al-Raqad syndrome. Last evaluated: 2018-12-23. Review status: criteria provided, single submitter. Criteria: ACMG Guidelines, 2015. Collection method: clinical testing. Allele origin: unknown. Affected: yes.
Comment: This variant was determined to be of uncertain significance according to ACMG Guidelines, 2015 [PMID:25741868].

NM_014026.6(DCPS):c.704C>T (p.Pro235Leu)

Genes: DCPS (decapping enzyme, scavenger; plus strand), GSEC (G-quadruplex forming sequence containing lncRNA; minus strand). Cytogenetic location: 11q24.2.
Variant type: single nucleotide variant.
Coding change: c.704C>T on transcript NM_014026.6 (MANE Select); coding-DNA position 704, C replaced by T.
Protein change: p.Pro235Leu; replaces proline 235 with leucine.
Molecular consequence: missense variant.
Genome position (GRCh38, 1-based): chr11:126,343,374, C>T. VCF-style: chr11-126343374-C-T. GRCh37 (hg19) VCF-style: chr11-126213269-C-T.
Other names: c.725C>T, p.Pro242Leu (NM_001350236.2); short protein forms P242L, P235L.
Identifiers: ClinVar variation 1033250 (VCV001033250.3), dbSNP rs151074136, ClinGen allele CA6355111.